The following is an entry in ClinVar:

NM_006531.5(IFT88):c.544C>T (p.Arg182Ter)

Gene: IFT88 (intraflagellar transport 88; plus strand). Cytogenetic location: 13q12.11.
Variant type: single nucleotide variant.
Coding change: c.544C>T on transcript NM_006531.5 (MANE Select); coding-DNA position 544, C replaced by T.
Protein change: p.Arg182Ter; replaces arginine 182 with a stop codon.
Molecular consequence: nonsense. On other transcripts: 5 prime UTR variant (1), non-coding transcript variant (5).
Genome position (GRCh38, 1-based): chr13:20,597,069, C>T. VCF-style: chr13-20597069-C-T. GRCh37 (hg19) VCF-style: chr13-21171208-C-T.
Other names: c.487C>T, p.Arg163Ter (NM_001318491.2, NM_001353573.2, NM_001353574.2 and 1 more transcripts); c.571C>T, p.Arg191Ter (NM_001318493.2, NM_001353565.2, NM_001353566.2 and 6 more transcripts); c.544C>T, p.Arg182Ter (NM_001353568.2, NM_001353571.2, NM_001353572.2 and 1 more transcripts); c.-90C>T (NM_001353579.2); short protein forms R182*, R163*, R191*.
Identifiers: ClinVar variation 1959270 (VCV001959270.5), dbSNP rs772604977, ClinGen allele CA246520735.

ClinVar aggregate classification (germline): Uncertain significance (1 of 4 stars; one submission).

Allele frequency attached by ClinVar (database versions not stated): TOPMed 0.00001; gnomAD exomes 0.00002.
gnomAD v4.1: 32 of 1,607,418 alleles (0.002%); highest among the groups gnomAD compares: Non-Finnish European, 0.0024%; no homozygotes.

Submission:

Labcorp Genetics (formerly Invitae), Labcorp
Classification: Uncertain significance. Last evaluated: 2024-12-02. Review status: criteria provided, single submitter. Criteria: Invitae Variant Classification Sherloc (09022015). Collection method: clinical testing. Allele origin: germline.
Comment: This sequence change creates a premature translational stop signal (p.Arg191*) in the IFT88 gene. It is expected to result in an absent or disrupted protein product. However, the current clinical and genetic evidence is not sufficient to establish whether loss-of-function variants in IFT88 cause disease. The frequency data for this variant in the population databases is considered unreliable, as metrics indicate poor data quality at this position in the gnomAD database. This variant has not been reported in the literature in individuals affected with IFT88-related conditions. ClinVar contains an entry for this variant (Variation ID: 1959270). Algorithms developed to predict the effect of sequence changes on RNA splicing suggest that this variant may disrupt the consensus splice site. In summary, the available evidence is currently insufficient to determine the role of this variant in disease. Therefore, it has been classified as a Variant of Uncertain Significance.